The following is an entry in ClinVar:

ClinVar aggregate classification (germline): Pathogenic. Review status: criteria provided, multiple submitters, no conflicts (2 of 4 stars). 2 submissions from 2 submitters: Pathogenic (2). Last evaluated 2022-09-07.

Conditions:
Cohen syndrome (COH1). Also called: PEPPER SYNDROME; Cutis verticis gyrata, retinitis pigmentosa, and sensorineural deafness. Identifiers: Orphanet 193, MedGen C0265223, MONDO:0008999, OMIM 216550.

Submissions (2):

Labcorp Genetics (formerly Invitae), Labcorp
Classification: Pathogenic for Cohen syndrome. Last evaluated: 2022-09-07. Review status: criteria provided, single submitter. Criteria: Invitae Variant Classification Sherloc (09022015). Collection method: clinical testing. Allele origin: germline.
Comment: This sequence change creates a premature translational stop signal (p.Tyr730*) in the VPS13B gene. It is expected to result in an absent or disrupted protein product. Loss-of-function variants in VPS13B are known to be pathogenic (PMID: 15141358, 16648375, 20461111). For these reasons, this variant has been classified as Pathogenic. Algorithms developed to predict the effect of sequence changes on RNA splicing suggest that this variant may disrupt the consensus splice site. This variant has not been reported in the literature in individuals affected with VPS13B-related conditions. This variant is not present in population databases (gnomAD no frequency).

Laboratoire de Génétique Moléculaire, CHU Bordeaux
Classification: Pathogenic. Review status: criteria provided, single submitter. Criteria: ACMG Guidelines, 2015. Collection method: clinical testing. Allele origin: germline. Affected: yes.

Literature cited by the submitters: PubMed 15141358 (cited by Labcorp Genetics (formerly Invitae), Labcorp); PubMed 16648375 (cited by Labcorp Genetics (formerly Invitae), Labcorp); PubMed 20461111 (cited by Labcorp Genetics (formerly Invitae), Labcorp).

NM_152564.5(VPS13B):c.2190T>G (p.Tyr730Ter)

Gene: VPS13B (vacuolar protein sorting 13 homolog B; plus strand). Cytogenetic location: 8q22.2.
Variant type: single nucleotide variant.
Coding change: c.2190T>G on transcript NM_152564.5 (MANE Select); coding-DNA position 2190, T replaced by G.
Protein change: p.Tyr730Ter; replaces tyrosine 730 with a stop codon.
Molecular consequence: nonsense.
Genome position (GRCh38, 1-based): chr8:99,156,725, T>G. VCF-style: chr8-99156725-T-G. GRCh37 (hg19) VCF-style: chr8-100168953-T-G.
Other names: c.2190T>G, p.Tyr730Ter (NM_015243.3, NM_017890.5); short protein forms Y730*.
Identifiers: ClinVar variation 992842 (VCV000992842.5), dbSNP rs2488834482, ClinGen allele CA371865228.